The following is an entry in ClinVar:

ClinVar aggregate classification (germline): Uncertain significance (1 of 4 stars; one submission).

gnomAD v4.1: 1 of 1,614,218 alleles (0.000062%); highest among the groups gnomAD compares: Non-Finnish European, 0.000085%; no homozygotes.

Submission:

GeneDx
Classification: Uncertain significance. Last evaluated: 2026-02-24. Review status: criteria provided, single submitter. Criteria: GeneDx Variant Classification Process June 2021. Collection method: clinical testing. Allele origin: germline.
Comment: Not observed at significant frequency in large population cohorts (gnomAD); In silico analysis suggests that this missense variant does not alter protein structure/function; Has not been previously published as pathogenic or benign to our knowledge

NM_014847.4(UBAP2L):c.2321C>T (p.Ala774Val)

Gene: UBAP2L (ubiquitin associated protein 2 like; plus strand). Cytogenetic location: 1q21.3.
Variant type: single nucleotide variant.
Coding change: c.2321C>T on transcript NM_014847.4 (MANE Select); coding-DNA position 2321, C replaced by T.
Protein change: p.Ala774Val; replaces alanine 774 with valine.
Molecular consequence: missense variant.
Genome position (GRCh38, 1-based): chr1:154,257,226, C>T. VCF-style: chr1-154257226-C-T. GRCh37 (hg19) VCF-style: chr1-154229702-C-T.
Other names: c.2321C>T, p.Ala774Val (NM_001127320.3, NM_001375614.1, NM_001375615.1 and 14 more transcripts); c.2300C>T, p.Ala767Val (NM_001287815.1); c.2354C>T, p.Ala785Val (NM_001287816.1, NM_001330730.1, NM_001375612.1 and 2 more transcripts); short protein forms A785V, A774V, A767V.
Identifiers: ClinVar variation 5007952 (VCV005007952.1).